The following is an entry in ClinVar:

ClinVar aggregate classification (germline): Uncertain significance. Review status: criteria provided, multiple submitters, no conflicts (2 of 4 stars). 3 submissions from 3 submitters: Uncertain significance (2). 1 of the submissions does not count toward it. Last evaluated 2025-09-22.

Conditions:
Inborn genetic diseases. Identifiers: MedGen C0950123, MeSH D030342.
PCNT-related disorder. Also called: PCNT-related condition.

Allele frequency attached by ClinVar (database versions not stated): TOPMed 0.00002; gnomAD 0.00001; ExAC 0.00005; ESP Exome Variant Server 0.00015.
gnomAD v4.1: 48 of 1,614,036 alleles (0.003%); highest among the groups gnomAD compares: Non-Finnish European, 0.0039%; no homozygotes.

Submissions (3):

Ambry Genetics
Classification: Uncertain significance for Inborn genetic diseases. Last evaluated: 2025-09-22. Review status: criteria provided, single submitter. Criteria: Ambry Variant Classification Scheme 2023. Collection method: clinical testing. Allele origin: germline.

Labcorp Genetics (formerly Invitae), Labcorp
Classification: Uncertain significance. Last evaluated: 2022-06-15. Review status: criteria provided, single submitter. Criteria: Invitae Variant Classification Sherloc (09022015). Collection method: clinical testing. Allele origin: germline.
Comment: This sequence change replaces aspartic acid, which is acidic and polar, with tyrosine, which is neutral and polar, at codon 2187 of the PCNT protein (p.Asp2187Tyr). This variant is present in population databases (rs146006811, gnomAD 0.007%). This variant has not been reported in the literature in individuals affected with PCNT-related conditions. Algorithms developed to predict the effect of missense changes on protein structure and function are either unavailable or do not agree on the potential impact of this missense change (SIFT: "Tolerated"; PolyPhen-2: "Probably Damaging"; Align-GVGD: "Class C0"). In summary, the available evidence is currently insufficient to determine the role of this variant in disease. Therefore, it has been classified as a Variant of Uncertain Significance.

PreventionGenetics, part of Exact Sciences
Classification: Uncertain significance for PCNT-related condition. Last evaluated: 2024-03-15. Review status: no assertion criteria provided. Collection method: clinical testing. Allele origin: germline. Not counted in ClinVar's aggregate classification.
Comment: The PCNT c.6559G>T variant is predicted to result in the amino acid substitution p.Asp2187Tyr. To our knowledge, this variant has not been reported in the literature. This variant is reported in 0.012% of alleles in individuals of African descent in gnomAD. At this time, the clinical significance of this variant is uncertain due to the absence of conclusive functional and genetic evidence.

NM_006031.6(PCNT):c.6559G>T (p.Asp2187Tyr)

Gene: PCNT (pericentrin; plus strand). Cytogenetic location: 21q22.3.
Variant type: single nucleotide variant.
Coding change: c.6559G>T on transcript NM_006031.6 (MANE Select); coding-DNA position 6559, G replaced by T.
Protein change: p.Asp2187Tyr; replaces aspartic acid 2187 with tyrosine.
Molecular consequence: missense variant.
Genome position (GRCh38, 1-based): chr21:46,416,477, G>T. VCF-style: chr21-46416477-G-T. GRCh37 (hg19) VCF-style: chr21-47836391-G-T.
Other names: c.6205G>T, p.Asp2069Tyr (NM_001315529.2); c.6559G>T (NM_006031.5); short protein forms D2069Y, D2187Y.
Identifiers: ClinVar variation 2151175 (VCV002151175.3), dbSNP rs146006811, ClinGen allele CA10080355.
Genomic context (GRCh38, chr21:46,416,477, plus strand): 5'-GATTCCTTGATACCAGATGAAATGCCAGATTCTCCCATTCAAGAAAAATCAGAATGTCAG[G>T]ACATGTCTCTTTCTTCACCGACCAGCGTACTTGGTGGCTCCCGCCACCAGAGCCACACTG-3'
Protein context (NP_006022.3, residues 2177-2197): SPIQEKSECQ[Asp2187Tyr]MSLSSPTSVL